The following is an entry in ClinVar:

ClinVar aggregate classification (germline): Likely benign. Review status: criteria provided, multiple submitters, no conflicts (2 of 4 stars). 2 submissions from 2 submitters: Likely benign (2). Last evaluated 2025-09-27.

Conditions:
Developmental and epileptic encephalopathy, 12 (DEE12). Identifiers: MedGen C3150988, MONDO:0013389, OMIM 613722.

Allele frequency attached by ClinVar (database versions not stated): gnomAD exomes below 0.00001 and 0.00001; TOPMed 0.00001; ExAC 0.00002; gnomAD 0.00003; ESP Exome Variant Server 0.00008.
gnomAD v4.1: 7 of 1,577,716 alleles (0.00044%); highest among the groups gnomAD compares: African/African-American, 0.0081%; no homozygotes.

Submissions (2):

Labcorp Genetics (formerly Invitae), Labcorp
Classification: Likely benign for Developmental and epileptic encephalopathy, 12. Last evaluated: 2025-09-27. Review status: criteria provided, single submitter. Criteria: Invitae Variant Classification Sherloc (09022015). Collection method: clinical testing. Allele origin: germline.

GeneDx
Classification: Likely benign. Last evaluated: 2015-11-03. Review status: criteria provided, single submitter. Criteria: GeneDx Variant Classification (06012015). Collection method: clinical testing. Allele origin: germline. Affected: yes.
Comment: This variant is considered likely benign or benign based on one or more of the following criteria: it is a conservative change, it occurs at a poorly conserved position in the protein, it is predicted to be benign by multiple in silico algorithms, and/or has population frequency not consistent with disease.

NM_007254.4(PNKP):c.1030-9C>T

Gene: PNKP (polynucleotide kinase 3'-phosphatase; minus strand). Cytogenetic location: 19q13.33.
Variant type: single nucleotide variant.
Coding change: c.1030-9C>T on transcript NM_007254.4 (MANE Select); 9 bases into the intron before coding-DNA position 1030, C replaced by T.
Molecular consequence: intron variant.
Genome position (GRCh38, 1-based): chr19:49,862,290, G>A on the plus strand (C>T on the coding strand, the complement: PNKP is on the minus strand). VCF-style: chr19-49862290-G-A. GRCh37 (hg19) VCF-style: chr19-50365547-G-A.
Identifiers: ClinVar variation 381354 (VCV000381354.10), dbSNP rs368699840, ClinGen allele CA9586640.
Genomic context (GRCh38, chr19:49,862,290, plus strand): 5'-GGAGGGCCCTGGACTCGGGGAGGCAGAGAGGCCCTGAGCGGGAGACAGTCCTCTGCGAGG[G>A]GCGGGGGACACGCGTGAGATGCCGTCCCCATCCCCGGGAGCCCTCCCATCCCCACCCCCA-3'